The following is an entry in ClinVar:

NM_032387.5(WNK4):c.1455del (p.Glu486fs)

Gene: WNK4 (WNK lysine deficient protein kinase 4; plus strand). Cytogenetic location: 17q21.2.
Variant type: Deletion.
Coding change: c.1455del on transcript NM_032387.5 (MANE Select); coding-DNA position 1455, one base deleted (C; older notation c.1455delC).
Protein change: p.Glu486fs; shifts the reading frame from glutamic acid 486.
Molecular consequence: frameshift variant.
Genome position (GRCh38, 1-based): chr17:42,785,461, C deleted; the last of 2 consecutive C bases (chr17:42,785,460-42,785,461); deleting either gives the same sequence. VCF-style (leftmost placement, unchanged base first): chr17-42785459-GC-G. GRCh37 (hg19) VCF-style: chr17-40937477-GC-G.
Other names: c.1455delC (NM_032387.5); c.447del, p.Glu150fs (NM_001321299.2); short protein forms E486fs, E150fs.
Identifiers: ClinVar variation 4699618 (VCV004699618.2).
Genomic context (GRCh38, chr17:42,785,459, plus strand): 5'-GGGGGGCGCCCACGGGACAACCAGGCCATCGAGTTCCTGTTCCAGCTGGGCCGGGACGCG[GC>G]CGAGGAGGTGGCACAGGAGATGGTGAGCGGAGGACAGACTGTGCTGCCACTGGACGTGTA-3'

ClinVar aggregate classification (germline): Uncertain significance. Review status: criteria provided, multiple submitters, no conflicts (2 of 4 stars). 2 submissions from 2 submitters: Uncertain significance (2). Last evaluated 2026-05-04.

Submissions (2):

Women's Health and Genetics/Laboratory Corporation of America, LabCorp
Classification: Uncertain significance. Last evaluated: 2026-05-04. Review status: criteria provided, single submitter. Criteria: LabCorp Variant Classification Summary - May 2015. Collection method: clinical testing. Allele origin: germline.
Comment: Variant summary: WNK4 c.1455delC (p.Glu486ArgfsX175) results in a premature termination codon, predicted to cause a truncation of the encoded protein or absence of the protein due to nonsense mediated decay, however current evidence is not sufficient to establish loss of function as a mechanism for disease. The variant allele was found at a frequency of 1.3e-05 in 155688 control chromosomes. The available data on variant occurrences in the general population are insufficient to allow any conclusion about variant significance. To our knowledge, no occurrence of c.1455delC in individuals affected with WNK4-related conditions and no experimental evidence demonstrating its impact on protein function have been reported. ClinVar contains an entry for this variant (Variation ID: 4699618). Based on the evidence outlined above, the variant was classified as uncertain significance.

Labcorp Genetics (formerly Invitae), Labcorp
Classification: Uncertain significance. Last evaluated: 2025-08-20. Review status: criteria provided, single submitter. Criteria: Invitae Variant Classification Sherloc (09022015). Collection method: clinical testing. Allele origin: germline.
Comment: This sequence change creates a premature translational stop signal (p.Glu486Argfs*175) in the WNK4 gene. It is expected to result in an absent or disrupted protein product. However, the current clinical and genetic evidence is not sufficient to establish whether loss-of-function variants in WNK4 cause disease. This variant is present in population databases (no rsID available, gnomAD 0.03%). This variant has not been reported in the literature in individuals affected with WNK4-related conditions. In summary, the available evidence is currently insufficient to determine the role of this variant in disease. Therefore, it has been classified as a Variant of Uncertain Significance.